The following is an entry in ClinVar:

ClinVar aggregate classification (germline): Uncertain significance (1 of 4 stars; one submission).

Conditions:
Hereditary spastic paraplegia 47. Also called: CEREBRAL PALSY, SPASTIC QUADRIPLEGIC, 5; Spastic paraplegia 47, autosomal recessive; adaptor protein 4 (AP-4) deficiency syndrome. Identifiers: Orphanet 280763, MedGen C3279738, MONDO:0013551, OMIM 614066.

Allele frequency attached by ClinVar (database versions not stated): gnomAD exomes below 0.00001.
gnomAD v4.1: 1 of 1,614,192 alleles (0.000062%); highest among the groups gnomAD compares: Non-Finnish European, 0.000085%; no homozygotes.

Submission:

Labcorp Genetics (formerly Invitae), Labcorp
Classification: Uncertain significance for Hereditary spastic paraplegia 47. Last evaluated: 2021-11-27. Review status: criteria provided, single submitter. Criteria: Invitae Variant Classification Sherloc (09022015). Collection method: clinical testing. Allele origin: germline.
Comment: In summary, the available evidence is currently insufficient to determine the role of this variant in disease. Therefore, it has been classified as a Variant of Uncertain Significance. Algorithms developed to predict the effect of missense changes on protein structure and function (SIFT, PolyPhen-2, Align-GVGD) all suggest that this variant is likely to be tolerated. This variant has not been reported in the literature in individuals affected with AP4B1-related conditions. This variant is not present in population databases (gnomAD no frequency). This sequence change replaces glutamine, which is neutral and polar, with arginine, which is basic and polar, at codon 644 of the AP4B1 protein (p.Gln644Arg).

NM_001253852.3(AP4B1):c.1931A>G (p.Gln644Arg)

Genes: AP4B1 (adaptor related protein complex 4 subunit beta 1; minus strand), AP4B1-AS1 (AP4B1 antisense RNA 1; plus strand). Cytogenetic location: 1p13.2.
Variant type: single nucleotide variant.
Coding change: c.1931A>G on transcript NM_001253852.3 (MANE Select); coding-DNA position 1931, A replaced by G.
Protein change: p.Gln644Arg; replaces glutamine 644 with arginine.
Molecular consequence: missense variant.
Genome position (GRCh38, 1-based): chr1:113,895,354, T>C on the plus strand (A>G on the coding strand, the complement: AP4B1 is on the minus strand). VCF-style: chr1-113895354-T-C. GRCh37 (hg19) VCF-style: chr1-114437976-T-C.
Other names: c.1634A>G, p.Gln545Arg (NM_001253853.3); c.1427A>G, p.Gln476Arg (NM_001308312.2); c.1931A>G, p.Gln644Arg (NM_006594.5); short protein forms Q644R, Q476R, Q545R.
Identifiers: ClinVar variation 1506009 (VCV001506009.6), dbSNP rs1667330271, ClinGen allele CA341706904.